The following is an entry in ClinVar:

ClinVar aggregate classification (germline): Conflicting classifications of pathogenicity. Review status: criteria provided, conflicting classifications (1 of 4 stars). 6 submissions from 6 submitters: Uncertain significance (5); Likely benign (1). Last evaluated 2025-06-10.

Conditions:
Autosomal recessive limb-girdle muscular dystrophy type 2J (LGMDR10). Also called: MUSCULAR DYSTROPHY, LIMB-GIRDLE, AUTOSOMAL RECESSIVE 10; Limb-girdle muscular dystrophy, type 2J. Identifiers: Orphanet 140922, MedGen C1837342, MONDO:0012127, OMIM 608807.
Dilated cardiomyopathy 1G (CMD1G). Identifiers: Orphanet 154, MedGen C1858763, MONDO:0011400, OMIM 604145.
Cardiovascular phenotype. Identifiers: MedGen CN230736.
Tibial muscular dystrophy (TMD). Also called: Tibial muscular dystrophy, tardive; Udd Distal Myopathy – Tibial Muscular Dystrophy; UDD MYOPATHY. Identifiers: Orphanet 609, MedGen C1838244, MONDO:0010870, OMIM 600334.
Myopathy, myofibrillar, 9, with early respiratory failure (MFM9). Also called: Myopathy, distal, with early respiratory failure, autosomal dominant; EDSTROM MYOPATHY; MYOPATHY, PROXIMAL, WITH EARLY RESPIRATORY MUSCLE INVOLVEMENT; Hereditary myopathy with early respiratory failure. Identifiers: Orphanet 178464, Orphanet 34521, MedGen C1863599, MONDO:0011362, OMIM 603689.
Early-onset myopathy with fatal cardiomyopathy (CMYO5). Also called: CONGENITAL MYOPATHY 5 WITH CARDIOMYOPATHY; Salih Myopathy. Identifiers: Orphanet 289377, MedGen C2673677, MONDO:0012714, OMIM 611705. Disease mechanism: loss of function.
Hypertrophic cardiomyopathy 9. Also called: Familial hypertrophic cardiomyopathy 9. Identifiers: MedGen C1861065, MONDO:0013412, OMIM 613765.
Cardiomyopathy (CMYO). Also called: Cardiomyopathies. Identifiers: Orphanet 167848, MedGen C0878544, MONDO:0004994, HP:0001638. Inheritance: Various modes of inheritance.

Allele frequency attached by ClinVar (database versions not stated): TOPMed 0.00002.
gnomAD v4.1: 65 of 1,613,690 alleles (0.004%); highest among the groups gnomAD compares: East Asian, 0.06%; no homozygotes.

Submissions (6):

Women's Health and Genetics/Laboratory Corporation of America, LabCorp
Classification: Likely benign. Last evaluated: 2025-06-10. Review status: criteria provided, single submitter. Criteria: LabCorp Variant Classification Summary - May 2015. Collection method: clinical testing. Allele origin: germline.
Comment: Variant summary: TTN c.88264G>A (p.Val29422Met) results in a conservative amino acid change in the encoded protein sequence. Algorithms developed to predict the effect of missense changes on protein structure and function all suggest that this variant is likely to be tolerated. The variant allele was found at a frequency of 4e-05 in 1613690 control chromosomes, predominantly at a frequency of 0.0006 within the East Asian subpopulation in the gnomAD database. The observed variant frequency within East Asian control individuals in the gnomAD database is approximately 1.54 fold of the estimated maximal expected allele frequency for a pathogenic variant in TTN causing Dilated Cardiomyopathy phenotype (0.00039). c.88264G>A has been observed in the heterozygous state in at least 1 individual(s) affected with hypertrophic cardiomyopathy (example, Bagnall_2018) without strong evidence for causality. These report(s) do not provide unequivocal conclusions about association of the variant with TTN-related conditions. To our knowledge, no experimental evidence demonstrating an impact on protein function has been reported. The following publication has been ascertained in the context of this evaluation (PMID: 30025578). ClinVar contains an entry for this variant (Variation ID: 165705). Based on the evidence outlined above, the variant was classified as likely benign.

Fulgent Genetics
Classification: Uncertain significance for Tibial muscular dystrophy; Myopathy, myofibrillar, 9, with early respiratory failure; Dilated cardiomyopathy 1G; Autosomal recessive limb-girdle muscular dystrophy type 2J; Early-onset myopathy with fatal cardiomyopathy; Hypertrophic cardiomyopathy 9. Last evaluated: 2021-09-13. Review status: criteria provided, single submitter. Criteria: ACMG Guidelines, 2015. Collection method: clinical testing. Allele origin: unknown.

Ambry Genetics
Classification: Uncertain significance for Cardiovascular phenotype. Last evaluated: 2019-08-30. Review status: criteria provided, single submitter. Criteria: Ambry Variant Classification Scheme 2023. Collection method: clinical testing. Allele origin: germline.
Comment: The p.V22925M variant (also known as c.68773G>A), located in coding exon 172 of the TTN gene, results from a G to A substitution at nucleotide position 68773. The valine at codon 22925 is replaced by methionine, an amino acid with highly similar properties. This amino acid position is not well conserved in available vertebrate species. In addition, this alteration is predicted to be tolerated by in silico analysis. Since supporting evidence is limited at this time, the clinical significance of this alteration remains unclear.

Labcorp Genetics (formerly Invitae), Labcorp
Classification: Uncertain significance for Dilated cardiomyopathy 1G; Autosomal recessive limb-girdle muscular dystrophy type 2J. Last evaluated: 2017-06-23. Review status: criteria provided, single submitter. Criteria: Invitae Variant Classification Sherloc (09022015). Collection method: clinical testing. Allele origin: germline.

CHEO Genetics Diagnostic Laboratory, Children's Hospital of Eastern Ontario
Classification: Uncertain significance for Cardiomyopathy. Last evaluated: 2016-06-15. Review status: criteria provided, single submitter. Criteria: ACMG Guidelines, 2015. Collection method: clinical testing. Allele origin: germline. Study: Canadian Open Genetics Repository.

Laboratory for Molecular Medicine, Mass General Brigham Personalized Medicine
Classification: Uncertain significance. Last evaluated: 2014-08-11. Review status: criteria provided, single submitter. Criteria: LMM Criteria. Collection method: clinical testing. Allele origin: germline. Observed: 1 variant allele.
Comment: The Val29422Met variant in TTN has not been previously reported in individuals w ith cardiomyopathy or in large population studies. Computational prediction tool s and conservation analysis suggest that this variant may not impact the protein , though this information is not predictive enough to rule out pathogenicity. In summary, the clinical significance of the Val29422Met variant is uncertain.

Literature cited by the submitters: PubMed 30025578 (cited by Women's Health and Genetics/Laboratory Corporation of America, LabCorp).

NM_001267550.2(TTN):c.95968G>A (p.Val31990Met)

Genes: TTN (titin; minus strand), TTN-AS1 (TTN antisense RNA 1; plus strand). Cytogenetic location: 2q31.2.
Variant type: single nucleotide variant.
Coding change: c.95968G>A on transcript NM_001267550.2 (MANE Select); coding-DNA position 95968, G replaced by A.
Protein change: p.Val31990Met; replaces valine 31990 with methionine.
Molecular consequence: missense variant.
Genome position (GRCh38, 1-based): chr2:178,544,261, C>T on the plus strand (G>A on the coding strand, the complement: TTN is on the minus strand). VCF-style: chr2-178544261-C-T. GRCh37 (hg19) VCF-style: chr2-179408988-C-T.
Other names: c.69148G>A, p.Val23050Met (NM_133432.3); c.69349G>A, p.Val23117Met (NM_133437.4); c.91045G>A, p.Val30349Met (NM_001256850.1); c.68773G>A, p.Val22925Met (NM_003319.4); c.88264G>A, p.Val29422Met (NM_133378.4); short protein forms V29422M, V31990M, V22925M, V30349M, V23050M, V23117M.
Identifiers: ClinVar variation 165705 (VCV000165705.15), dbSNP rs727503541, ClinGen allele CA178410.